The following is an entry in ClinVar:

NM_002528.7(NTHL1):c.833del (p.Gly278fs)

Gene: NTHL1 (nth like DNA glycosylase 1; minus strand). Cytogenetic location: 16p13.3.
Variant type: Deletion.
Coding change: c.833del on transcript NM_002528.7 (MANE Select); coding-DNA position 833, one base deleted (G; older notation c.833delG).
Protein change: p.Gly278fs; shifts the reading frame from glycine 278.
Molecular consequence: frameshift variant.
Genome position (GRCh38, 1-based): chr16:2,040,006, C deleted on the plus strand (G on the coding strand, the reverse complement: NTHL1 is on the minus strand); the first of 2 consecutive C bases (chr16:2,040,006-2,040,007); deleting either gives the same sequence. VCF-style (leftmost placement, unchanged base first): chr16-2040005-GC-G. GRCh37 (hg19) VCF-style: chr16-2090006-GC-G.
Other names: c.662del, p.Gly221fs (NM_001318193.2); c.503del, p.Gly168fs (NM_001318194.2); short protein forms G278fs, G168fs, G221fs.
Identifiers: ClinVar variation 3922246 (VCV003922246.3).

ClinVar aggregate classification (germline): Pathogenic/Likely pathogenic. Review status: criteria provided, multiple submitters, no conflicts (2 of 4 stars). 2 submissions from 2 submitters: Pathogenic (1); Likely pathogenic (1). Last evaluated 2025-08-29.

Conditions:
Hereditary cancer-predisposing syndrome. Also called: Hereditary Cancer Syndrome; Hereditary neoplastic syndrome; Neoplastic Syndromes, Hereditary; Tumor predisposition. Identifiers: Orphanet 140162, MedGen C0027672, MeSH D009386, MONDO:0015356.

Submissions (2):

Ambry Genetics
Classification: Likely pathogenic for Hereditary cancer-predisposing syndrome. Last evaluated: 2025-08-29. Review status: criteria provided, single submitter. Criteria: Ambry Variant Classification Scheme 2023. Collection method: clinical testing. Allele origin: germline.
Comment: The c.857delG variant, located in coding exon 6 of the NTHL1 gene, results from a deletion of one nucleotide at nucleotide position 857, causing a translational frameshift with a predicted alternate stop codon (p.G286Afs*55). This alteration occurs at the 3' terminus of theNTHL1 gene, is not expected to trigger nonsense-mediated mRNAdecay and results in the elongation of the protein by 27 amino acids. This frameshift impacts the last 8.6% of the native protein. However, frameshifts are typically deleterious in nature and a significant portion of the protein is affected and the impacted region is critical for protein function (Ambry internal data). This variant is considered to be rare based on population cohorts in the Genome Aggregation Database (gnomAD). Based on the majority of available evidence to date, this variant is likely to be pathogenic

Labcorp Genetics (formerly Invitae), Labcorp
Classification: Pathogenic. Last evaluated: 2025-05-13. Review status: criteria provided, single submitter. Criteria: Invitae Variant Classification Sherloc (09022015). Collection method: clinical testing. Allele origin: germline.
Comment: This sequence change is expected to alter the c-terminus of the NTHL1 protein (p.Gly286Alafs*55). While this is not anticipated to result in nonsense mediated decay, it is expected to disrupt the last 27 amino acid(s) of the NTHL1 protein and extend the protein by 27 additional amino acid residues. This variant is not present in population databases (gnomAD no frequency). This variant has not been reported in the literature in individuals affected with NTHL1-related conditions. This variant disrupts a region of the NTHL1 protein in which other variant(s) (p.Gln287*) have been determined to be pathogenic (PMID: 27329137, 28912133, 30552997, 30753826; internal data). This suggests that this is a clinically significant region of the protein, and that variants that disrupt it are likely to be disease-causing. For these reasons, this variant has been classified as Pathogenic.

Literature cited by the submitters: PubMed 27329137 (cited by Labcorp Genetics (formerly Invitae), Labcorp); PubMed 28912133 (cited by Labcorp Genetics (formerly Invitae), Labcorp); PubMed 30552997 (cited by Labcorp Genetics (formerly Invitae), Labcorp); PubMed 30753826 (cited by Labcorp Genetics (formerly Invitae), Labcorp).